The following is an entry in ClinVar:

NM_133259.4(LRPPRC):c.3541A>G (p.Asn1181Asp)

Gene: LRPPRC (leucine rich pentatricopeptide repeat containing; minus strand). Cytogenetic location: 2p21.
Variant type: single nucleotide variant.
Coding change: c.3541A>G on transcript NM_133259.4 (MANE Select); coding-DNA position 3541, A replaced by G.
Protein change: p.Asn1181Asp; replaces asparagine 1181 with aspartic acid.
Molecular consequence: missense variant.
Genome position (GRCh38, 1-based): chr2:43,901,348, T>C on the plus strand (A>G on the coding strand, the complement: LRPPRC is on the minus strand). VCF-style: chr2-43901348-T-C. GRCh37 (hg19) VCF-style: chr2-44128487-T-C.
Other names: short protein forms N1181D.
Identifiers: ClinVar variation 1723830 (VCV001723830.2), dbSNP rs756829451, ClinGen allele CA1638045.

ClinVar aggregate classification (germline): Uncertain significance (1 of 4 stars; one submission).

Allele frequency attached by ClinVar (database versions not stated): gnomAD exomes below 0.00001; ExAC 0.00001; TOPMed 0.00002.
gnomAD v4.1: 2 of 1,613,806 alleles (0.00012%); highest among the groups gnomAD compares: Non-Finnish European, 0.000085%; no homozygotes.

Submission:

GeneDx
Classification: Uncertain significance. Last evaluated: 2022-05-13. Review status: criteria provided, single submitter. Criteria: GeneDx Variant Classification Process June 2021. Collection method: clinical testing. Allele origin: germline. Affected: yes.
Comment: Not observed at significant frequency in large population cohorts (gnomAD); In silico analysis supports that this missense variant does not alter protein structure/function; Has not been previously published as pathogenic or benign to our knowledge